The following is an entry in ClinVar:

NM_001020658.2(PUM1):c.3548C>T (p.Pro1183Leu)

Gene: PUM1 (pumilio RNA binding family member 1; minus strand). Cytogenetic location: 1p35.2.
Variant type: single nucleotide variant.
Coding change: c.3548C>T on transcript NM_001020658.2 (MANE Select); coding-DNA position 3548, C replaced by T.
Protein change: p.Pro1183Leu; replaces proline 1183 with leucine.
Molecular consequence: missense variant.
Genome position (GRCh38, 1-based): chr1:30,933,230, G>A on the plus strand (C>T on the coding strand, the complement: PUM1 is on the minus strand). VCF-style: chr1-30933230-G-A. GRCh37 (hg19) VCF-style: chr1-31406077-G-A.
Other names: c.3542C>T, p.Pro1181Leu (NM_014676.3); short protein forms P1181L, P1183L.
Identifiers: ClinVar variation 2579492 (VCV002579492.1), dbSNP rs2521226618, ClinGen allele CA339559429.

ClinVar aggregate classification (germline): Uncertain significance (1 of 4 stars; one submission).

Submission:

GeneDx
Classification: Uncertain significance. Last evaluated: 2023-03-10. Review status: criteria provided, single submitter. Criteria: GeneDx Variant Classification Process June 2021. Collection method: clinical testing. Allele origin: germline. Affected: yes.
Comment: Not observed at significant frequency in large population cohorts (gnomAD); In silico analysis supports that this missense variant has a deleterious effect on protein structure/function; Has not been previously published as pathogenic or benign to our knowledge